The following is an entry in ClinVar:

ClinVar aggregate classification (germline): Pathogenic (1 of 4 stars; one submission).

Conditions:
Landau-Kleffner syndrome (FESD). Also called: EPILEPSY, FOCAL, WITH SPEECH DISORDER AND WITH OR WITHOUT MENTAL RETARDATION; APHASIA, ACQUIRED, WITH EPILEPSY. Identifiers: Orphanet 1945, Orphanet 725, Orphanet 98818, MedGen C0282512, MONDO:0009509, OMIM 245570.

Submission:

Labcorp Genetics (formerly Invitae), Labcorp
Classification: Pathogenic for Landau-Kleffner syndrome. Last evaluated: 2024-10-15. Review status: criteria provided, single submitter. Criteria: Invitae Variant Classification Sherloc (09022015). Collection method: clinical testing. Allele origin: germline.
Comment: This sequence change creates a premature translational stop signal (p.Glu551*) in the GRIN2A gene. It is expected to result in an absent or disrupted protein product. Loss-of-function variants in GRIN2A are known to be pathogenic (PMID: 23933819, 23933820). This variant is not present in population databases (gnomAD no frequency). This variant has not been reported in the literature in individuals affected with GRIN2A-related conditions. ClinVar contains an entry for this variant (Variation ID: 2128410). Algorithms developed to predict the effect of sequence changes on RNA splicing suggest that this variant may disrupt the consensus splice site. For these reasons, this variant has been classified as Pathogenic.

Literature cited by the submitters: PubMed 23933819; PubMed 23933820.

NM_001134407.3(GRIN2A):c.1651G>T (p.Glu551Ter)

Gene: GRIN2A (glutamate ionotropic receptor NMDA type subunit 2A; minus strand). Cytogenetic location: 16p13.2.
Variant type: single nucleotide variant.
Coding change: c.1651G>T on transcript NM_001134407.3 (MANE Select); coding-DNA position 1651, G replaced by T.
Protein change: p.Glu551Ter; replaces glutamic acid 551 with a stop codon.
Molecular consequence: nonsense.
Genome position (GRCh38, 1-based): chr16:9,840,647, C>A on the plus strand (G>T on the coding strand, the complement: GRIN2A is on the minus strand). VCF-style: chr16-9840647-C-A. GRCh37 (hg19) VCF-style: chr16-9934504-C-A.
Other names: c.1651G>T, p.Glu551Ter (NM_000833.5, NM_001134408.2); short protein forms E551*.
Identifiers: ClinVar variation 2128410 (VCV002128410.4), dbSNP rs1555494671, ClinGen allele CA394800171.